The following is an entry in ClinVar:

ClinVar aggregate classification (germline): Pathogenic/Likely pathogenic. Review status: criteria provided, multiple submitters, no conflicts (2 of 4 stars). 2 submissions from 2 submitters: Pathogenic (1); Likely pathogenic (1). Last evaluated 2022-12-01.

Conditions:
Tuberous sclerosis 2 (TSC2). Identifiers: Orphanet 805, MedGen C1860707, MONDO:0013199, OMIM 613254.

Submissions (2):

GeneDx
Classification: Pathogenic. Last evaluated: 2022-12-01. Review status: criteria provided, single submitter. Criteria: GeneDx Variant Classification Process June 2021. Collection method: clinical testing. Allele origin: germline. Affected: yes.
Comment: Canonical splice site variant predicted to result in a null allele in a gene for which loss of function is a known mechanism of disease; Not observed at significant frequency in large population cohorts (gnomAD); Also known as IVS5+1G>C; A different pathogenic splice variant at this residue (c.599+1G>A) has been reported in the published literature and in the Human Gene Mutation Database (Au et al., 2007; Stenson et al., 2014); This variant is associated with the following publications: (PMID: 29101226)

Neuberg Centre For Genomic Medicine, NCGM
Classification: Likely pathogenic for Tuberous sclerosis 2. Review status: criteria provided, single submitter. Criteria: ACMG Guidelines, 2015. Collection method: clinical testing. Allele origin: germline. Inheritance: Autosomal dominant inheritance. Affected: yes.
Comment: The invariant splice donor c.599+1G>C in gene has not been reported previously as a pathogenic variant nor as a benign variant, to our knowledge. The c.599+1G>C variant is absent in gnomAD Exomes. This variant has not been submitted to the ClinVar database. SpliceAI predicts this variant to cause splice donor loss score-0.82. Loss of function variants have been previously reported to be disease causing. Functional studies are required to prove the pathogenicity for the variant, for these reasons, this variant has been classified as Likely Pathogenic

NM_000548.5(TSC2):c.599+1G>C

Gene: TSC2 (TSC complex subunit 2; plus strand). Cytogenetic location: 16p13.3.
Variant type: single nucleotide variant.
Coding change: c.599+1G>C on transcript NM_000548.5 (MANE Select); the canonical splice donor site of the intron after coding-DNA position 599, G replaced by C.
Molecular consequence: splice donor variant. On other transcripts: intron variant (6).
Genome position (GRCh38, 1-based): chr16:2,055,520, G>C. VCF-style: chr16-2055520-G-C. GRCh37 (hg19) VCF-style: chr16-2105521-G-C.
Other names: c.-1049+1G>C (NM_001406693.1); c.689+1G>C (NM_001406667.1, NM_001406668.1); c.-218+1G>C (NM_001406680.1, NM_001406683.1, NM_001406687.1); c.-833+1G>C (NM_001406689.1, NM_001406690.1, NM_001406692.1 and 2 more transcripts); c.-1009+1G>C (NM_001406698.1); c.599+1G>C (NM_001114382.3, NM_001406663.1, NM_001406664.1 and 8 more transcripts); c.-714+1G>C (NM_001406694.1, NM_001406695.1); c.-821+1G>C (NM_001406696.1); and 6 more.
Identifiers: ClinVar variation 3393429 (VCV003393429.2).